The following is an entry in ClinVar:

ClinVar aggregate classification (germline): Uncertain significance. Review status: criteria provided, multiple submitters, no conflicts (2 of 4 stars). 2 submissions from 2 submitters: Uncertain significance (2). Last evaluated 2024-09-29.

Conditions:
Charcot-Marie-Tooth disease axonal type 2Z. Also called: CHARCOT-MARIE-TOOTH DISEASE, AXONAL, AUTOSOMAL DOMINANT, TYPE 2Z; CHARCOT-MARIE-TOOTH NEUROPATHY, TYPE 2Z. Identifiers: Orphanet 466768, MedGen C5569025, MONDO:0014736, OMIM 616688.
Inborn genetic diseases. Identifiers: MedGen C0950123, MeSH D030342.

Allele frequency attached by ClinVar (database versions not stated): TOPMed below 0.00001.
gnomAD v4.1: 1 of 1,613,876 alleles (0.000062%); highest among the groups gnomAD compares: Non-Finnish European, 0.000085%; no homozygotes.

Submissions (2):

Labcorp Genetics (formerly Invitae), Labcorp
Classification: Uncertain significance for Charcot-Marie-Tooth disease axonal type 2Z. Last evaluated: 2024-09-29. Review status: criteria provided, single submitter. Criteria: Invitae Variant Classification Sherloc (09022015). Collection method: clinical testing. Allele origin: germline.
Comment: This sequence change replaces glutamic acid, which is acidic and polar, with aspartic acid, which is acidic and polar, at codon 782 of the MORC2 protein (p.Glu782Asp). This variant is not present in population databases (gnomAD no frequency). This variant has not been reported in the literature in individuals affected with MORC2-related conditions. ClinVar contains an entry for this variant (Variation ID: 660082). Invitae Evidence Modeling of protein sequence and biophysical properties (such as structural, functional, and spatial information, amino acid conservation, physicochemical variation, residue mobility, and thermodynamic stability) indicates that this missense variant is not expected to disrupt MORC2 protein function with a negative predictive value of 95%. In summary, the available evidence is currently insufficient to determine the role of this variant in disease. Therefore, it has been classified as a Variant of Uncertain Significance.

Ambry Genetics
Classification: Uncertain significance for Inborn genetic diseases. Last evaluated: 2023-07-25. Review status: criteria provided, single submitter. Criteria: Ambry Variant Classification Scheme 2023. Collection method: clinical testing. Allele origin: germline.

NM_001303256.3(MORC2):c.2346A>C (p.Glu782Asp)

Gene: MORC2 (MORC family CW-type zinc finger 2; minus strand). Cytogenetic location: 22q12.2.
Variant type: single nucleotide variant.
Coding change: c.2346A>C on transcript NM_001303256.3 (MANE Select); coding-DNA position 2346, A replaced by C.
Protein change: p.Glu782Asp; replaces glutamic acid 782 with aspartic acid.
Molecular consequence: missense variant.
Genome position (GRCh38, 1-based): chr22:30,933,500, T>G on the plus strand (A>C on the coding strand, the complement: MORC2 is on the minus strand). VCF-style: chr22-30933500-T-G. GRCh37 (hg19) VCF-style: chr22-31329487-T-G.
Other names: c.2346A>C, p.Glu782Asp (NM_001303257.2); c.2160A>C, p.Glu720Asp (NM_014941.3); short protein forms E782D, E720D.
Identifiers: ClinVar variation 660082 (VCV000660082.13), dbSNP rs751495570, ClinGen allele CA411232833.